The following is an entry in ClinVar:

ClinVar aggregate classification (germline): Uncertain significance (1 of 4 stars; one submission).

gnomAD v4.1: 2 of 1,613,896 alleles (0.00012%); highest among the groups gnomAD compares: East Asian, 0.0045%; no homozygotes.

Submission:

Ambry Genetics
Classification: Uncertain significance. Last evaluated: 2025-05-22. Review status: criteria provided, single submitter. Criteria: Ambry Variant Classification Scheme 2023. Collection method: clinical testing. Allele origin: germline.
Comment: The p.Q825R variant (also known as c.2474A>G), located in coding exon 13 of the GEN1 gene, results from an A to G substitution at nucleotide position 2474. The glutamine at codon 825 is replaced by arginine, an amino acid with highly similar properties. This amino acid position is conserved. In addition, this alteration is predicted to be tolerated by in silico analysis. Based on the available evidence, the clinical significance of this variant remains unclear.

NM_001130009.3(GEN1):c.2474A>G (p.Gln825Arg)

Gene: GEN1 (GEN1 Holliday junction 5' flap endonuclease; plus strand). Cytogenetic location: 2p24.2.
Variant type: single nucleotide variant.
Coding change: c.2474A>G on transcript NM_001130009.3 (MANE Select); coding-DNA position 2474, A replaced by G.
Protein change: p.Gln825Arg; replaces glutamine 825 with arginine.
Molecular consequence: missense variant.
Genome position (GRCh38, 1-based): chr2:17,781,686, A>G. VCF-style: chr2-17781686-A-G. GRCh37 (hg19) VCF-style: chr2-17962953-A-G.
Other names: c.2474A>G, p.Gln825Arg (NM_182625.5); short protein forms Q825R.
Identifiers: ClinVar variation 4029313 (VCV004029313.1).
Genomic context (GRCh38, chr2:17,781,686, plus strand): 5'-AAAGTGCCCCAGTGTTTGGGAAAGCTAAGTACACAACTCAAAGAATGAAGCACAGTTCTC[A>G]AAAGCATAATTCATCCCATTTCAAAGAAAGTGGCCATAACAAGTTGAGTAGCCCTAAGAT-3'
Protein context (NP_001123481.3, residues 815-835): YTTQRMKHSS[Gln825Arg]KHNSSHFKES